The following is an entry in ClinVar:

NM_001069.3(TUBB2A):c.957C>T (p.Gly319=)

Gene: TUBB2A (tubulin beta 2A class IIa; minus strand). Cytogenetic location: 6p25.2.
Variant type: single nucleotide variant.
Coding change: c.957C>T on transcript NM_001069.3 (MANE Select); coding-DNA position 957, C replaced by T.
Protein change: p.Gly319=; no amino-acid change (glycine 319 retained).
Molecular consequence: synonymous variant.
Genome position (GRCh38, 1-based): chr6:3,154,244, G>A on the plus strand (C>T on the coding strand, the complement: TUBB2A is on the minus strand). VCF-style: chr6-3154244-G-A. GRCh37 (hg19) VCF-style: chr6-3154478-G-A.
Other names: c.702C>T, p.Gly234= (NM_001310315.2).
Identifiers: ClinVar variation 507372 (VCV000507372.9), dbSNP rs1472165164, ClinGen allele CA448707474.

ClinVar aggregate classification (germline): Likely benign. Review status: criteria provided, multiple submitters, no conflicts (2 of 4 stars). 2 submissions from 2 submitters: Likely benign (2). Last evaluated 2025-06-04.

Allele frequency attached by ClinVar (database versions not stated): gnomAD exomes 0.00002 and 0.00004; gnomAD 0.00010 and 0.00011; 1000 Genomes Project 30x 0.00047.
gnomAD v4.1: 19 of 730,054 alleles (0.0026%); highest among the groups gnomAD compares: African/African-American, 0.055%; no homozygotes.

Submissions (2):

Labcorp Genetics (formerly Invitae), Labcorp
Classification: Likely benign. Last evaluated: 2025-06-04. Review status: criteria provided, single submitter. Criteria: Invitae Variant Classification Sherloc (09022015). Collection method: clinical testing. Allele origin: germline.

GeneDx
Classification: Likely benign. Last evaluated: 2017-02-16. Review status: criteria provided, single submitter. Criteria: GeneDx Variant Classification (06012015). Collection method: clinical testing. Allele origin: germline. Affected: yes.
Comment: This variant is considered likely benign or benign based on one or more of the following criteria: it is a conservative change, it occurs at a poorly conserved position in the protein, it is predicted to be benign by multiple in silico algorithms, and/or has population frequency not consistent with disease.